The following is an entry in ClinVar:

NM_006663.4(PPP1R13L):c.1110C>T (p.Ile370=)

Gene: PPP1R13L (protein phosphatase 1 regulatory subunit 13 like; minus strand). Cytogenetic location: 19q13.32.
Variant type: single nucleotide variant.
Coding change: c.1110C>T on transcript NM_006663.4 (MANE Select); coding-DNA position 1110, C replaced by T.
Protein change: p.Ile370=; no amino-acid change (isoleucine 370 retained).
Molecular consequence: synonymous variant.
Genome position (GRCh38, 1-based): chr19:45,395,680, G>A on the plus strand (C>T on the coding strand, the complement: PPP1R13L is on the minus strand). VCF-style: chr19-45395680-G-A. GRCh37 (hg19) VCF-style: chr19-45898938-G-A.
Other names: c.1110C>T, p.Ile370= (NM_001142502.2).
Identifiers: ClinVar variation 3895394 (VCV003895394.1).
Genomic context (GRCh38, chr19:45,395,680, plus strand): 5'-GGCGCGGCTGGCCCCGTGCTCCCAGAAGGCGTTCTGCAGCTTGAAGATCATGCTGAGGGG[G>A]ATGGGACGCTGGCGCGGGGCCCCGCGGGGCTGGGGGCTGGAGGGGGGCATGGGGATGCGG-3'
Protein context (NP_006654.2, residues 360-380): QPRGAPRQRP[Ile370=]PLSMIFKLQN

ClinVar aggregate classification (germline): Likely benign (1 of 4 stars; one submission).

Submission:

Molecular Diagnostic Laboratory for Inherited Cardiovascular Disease, Montreal Heart Institute
Classification: Likely benign. Last evaluated: 2025-04-09. Review status: criteria provided, single submitter. Criteria: ACMG Guidelines, 2015. Collection method: clinical testing. Allele origin: germline. Affected: no.
Comment: BP7